The following is an entry in ClinVar:

ClinVar aggregate classification (germline): Uncertain significance. Review status: criteria provided, multiple submitters, no conflicts (2 of 4 stars). 2 submissions from 2 submitters: Uncertain significance (2). Last evaluated 2026-07-07.

Conditions:
Familial adenomatous polyposis 1 (FAP1). Also called: POLYPOSIS, ADENOMATOUS INTESTINAL; FAMILIAL ADENOMATOUS POLYPOSIS 1, ATTENUATED. Identifiers: MedGen C2713442, MONDO:0021056, OMIM 175100. Disease mechanism: loss of function.
Hereditary cancer-predisposing syndrome. Also called: Neoplastic Syndromes, Hereditary; Hereditary Cancer Syndrome; Hereditary neoplastic syndrome; Tumor predisposition. Identifiers: Orphanet 140162, MedGen C0027672, MeSH D009386, MONDO:0015356.

Submissions (2):

Ambry Genetics
Classification: Uncertain significance for Hereditary cancer-predisposing syndrome. Last evaluated: 2026-07-07. Review status: criteria provided, single submitter. Criteria: Ambry Variant Classification Scheme 2023. Collection method: clinical testing. Allele origin: germline.
Comment: The p.G2775A variant (also known as c.8324G>C), located in coding exon 15 of the APC gene, results from a G to C substitution at nucleotide position 8324. The glycine at codon 2775 is replaced by alanine, an amino acid with similar properties. This amino acid position is conserved. In addition, in silico predictors for this gene do not accurately predict pathogenicity. Based on the available evidence, the clinical significance of this variant remains unclear.

Labcorp Genetics (formerly Invitae), Labcorp
Classification: Uncertain significance for Familial adenomatous polyposis 1. Last evaluated: 2018-03-23. Review status: criteria provided, single submitter. Criteria: Invitae Variant Classification Sherloc (09022015). Collection method: clinical testing. Allele origin: germline.
Comment: This sequence change replaces glycine with alanine at codon 2775 of the APC protein (p.Gly2775Ala). The glycine residue is highly conserved and there is a small physicochemical difference between glycine and alanine. In summary, the available evidence is currently insufficient to determine the role of this variant in disease. Therefore, it has been classified as a Variant of Uncertain Significance. Algorithms developed to predict the effect of missense changes on protein structure and function do not agree on the potential impact of this missense change (SIFT: "Tolerated"; PolyPhen-2: "Probably Damaging"; Align-GVGD: "Class C0"). This variant has not been reported in the literature in individuals with APC-related disease. This variant is not present in population databases (ExAC no frequency).

NM_000038.6(APC):c.8324G>C (p.Gly2775Ala)

Gene: APC (APC regulator of Wnt signaling pathway; plus strand). Cytogenetic location: 5q22.2.
Variant type: single nucleotide variant.
Coding change: c.8324G>C on transcript NM_000038.6 (MANE Select); coding-DNA position 8324, G replaced by C.
Protein change: p.Gly2775Ala; replaces glycine 2775 with alanine.
Molecular consequence: missense variant.
Genome position (GRCh38, 1-based): chr5:112,843,918, G>C. VCF-style: chr5-112843918-G-C. GRCh37 (hg19) VCF-style: chr5-112179615-G-C.
Other names: c.8051G>C, p.Gly2684Ala (NM_001354902.2); c.8021G>C, p.Gly2674Ala (NM_001354903.2); c.7946G>C, p.Gly2649Ala (NM_001354904.2); c.7844G>C, p.Gly2615Ala (NM_001354905.2); c.7475G>C, p.Gly2492Ala (NM_001354906.2); c.8324G>C, p.Gly2775Ala (NM_001127510.3, NM_001354895.2); c.8270G>C, p.Gly2757Ala (NM_001127511.3); c.8378G>C, p.Gly2793Ala (NM_001354896.2); and 5 more; short protein forms G2775A, G2757A, G2649A, G2674A, G2716A, G2734A, G2793A, G2492A.
Identifiers: ClinVar variation 573279 (VCV000573279.11), dbSNP rs1561622356, ClinGen allele CA16039396.
Genomic context (GRCh38, chr5:112,843,918, plus strand): 5'-CTATAGTGGAACGTACCCCATTCAGTTCTAGCAGCTCAAGCAAACACAGTTCACCTAGTG[G>C]GACTGTTGCTGCCAGAGTGACTCCTTTTAATTACAACCCAAGCCCTAGGAAAAGCAGCGC-3'
Protein context (NP_000029.2, residues 2765-2785): SSSSKHSSPS[Gly2775Ala]TVAARVTPFN